The following is an entry in ClinVar:

ClinVar aggregate classification (germline): Uncertain significance (1 of 4 stars; one submission).

Conditions:
Hereditary spastic paraplegia 75. Also called: Spastic paraplegia 75, autosomal recessive. Identifiers: Orphanet 459056, MedGen C4225250, MONDO:0014729, OMIM 616680.

Allele frequency attached by ClinVar (database versions not stated): ExAC 0.00007; gnomAD exomes 0.00011; ESP Exome Variant Server 0.00023.
gnomAD v4.1: 164 of 1,612,268 alleles (0.01%); highest among the groups gnomAD compares: Non-Finnish European, 0.014%; no homozygotes.

Submission:

Labcorp Genetics (formerly Invitae), Labcorp
Classification: Uncertain significance for Hereditary spastic paraplegia 75. Last evaluated: 2023-07-19. Review status: criteria provided, single submitter. Criteria: Invitae Variant Classification Sherloc (09022015). Collection method: clinical testing. Allele origin: germline.
Comment: This variant is present in population databases (rs143777259, gnomAD 0.008%). In summary, the available evidence is currently insufficient to determine the role of this variant in disease. Therefore, it has been classified as a Variant of Uncertain Significance. Algorithms developed to predict the effect of sequence changes on RNA splicing suggest that this variant may create or strengthen a splice site. ClinVar contains an entry for this variant (Variation ID: 2145999). This variant has not been reported in the literature in individuals affected with MAG-related conditions. This sequence change affects codon 35 of the MAG mRNA. It is a 'silent' change, meaning that it does not change the encoded amino acid sequence of the MAG protein.

NM_002361.4(MAG):c.105C>T (p.Gly35=)

Gene: MAG (myelin associated glycoprotein; plus strand). Cytogenetic location: 19q13.12.
Variant type: single nucleotide variant.
Coding change: c.105C>T on transcript NM_002361.4 (MANE Select); coding-DNA position 105, C replaced by T.
Protein change: p.Gly35=; no amino-acid change (glycine 35 retained).
Molecular consequence: synonymous variant.
Genome position (GRCh38, 1-based): chr19:35,295,671, C>T. VCF-style: chr19-35295671-C-T. GRCh37 (hg19) VCF-style: chr19-35786574-C-T.
Other names: c.30C>T, p.Gly10= (NM_001199216.2); c.105C>T, p.Gly35= (NM_080600.3).
Identifiers: ClinVar variation 2145999 (VCV002145999.2), dbSNP rs143777259, ClinGen allele CA9375928.
Genomic context (GRCh38, chr19:35,295,671, plus strand): 5'-AGCCTCCCGAGGGGGTCACTGGGGTGCCTGGATGCCCTCGTCCATCTCGGCCTTCGAAGG[C>T]ACGTGCGTCTCCATCCCCTGCCGCTTTGACTTCCCGGATGAGCTGCGGCCCGCTGTGGTG-3'
Protein context (NP_002352.1, residues 25-45): WMPSSISAFE[Gly35=]TCVSIPCRFD